The following is an entry in ClinVar:

ClinVar aggregate classification (germline): Uncertain significance (1 of 4 stars; one submission).

Conditions:
Inborn genetic diseases. Identifiers: MedGen C0950123, MeSH D030342.

Submission:

Ambry Genetics
Classification: Uncertain significance for Inborn genetic diseases. Last evaluated: 2022-05-21. Review status: criteria provided, single submitter. Criteria: Ambry Variant Classification Scheme 2023. Collection method: clinical testing. Allele origin: germline.
Comment: The p.S1801N variant (also known as c.5402G>A), located in coding exon 32 of the ATR gene, results from a G to A substitution at nucleotide position 5402. The serine at codon 1801 is replaced by asparagine, an amino acid with highly similar properties. This amino acid position is conserved. In addition, this alteration is predicted to be tolerated by in silico analysis. Since supporting evidence is limited at this time, the clinical significance of this alteration remains unclear.

NM_001184.4(ATR):c.5402G>A (p.Ser1801Asn)

Gene: ATR (ATR checkpoint kinase; minus strand). Cytogenetic location: 3q23.
Variant type: single nucleotide variant.
Coding change: c.5402G>A on transcript NM_001184.4 (MANE Select); coding-DNA position 5402, G replaced by A.
Protein change: p.Ser1801Asn; replaces serine 1801 with asparagine.
Molecular consequence: missense variant.
Genome position (GRCh38, 1-based): chr3:142,498,753, C>T on the plus strand (G>A on the coding strand, the complement: ATR is on the minus strand). VCF-style: chr3-142498753-C-T. GRCh37 (hg19) VCF-style: chr3-142217595-C-T.
Other names: c.5210G>A, p.Ser1737Asn (NM_001354579.2); short protein forms S1737N, S1801N.
Identifiers: ClinVar variation 1747319 (VCV001747319.2), dbSNP rs2108341774, ClinGen allele CA354816345.
Genomic context (GRCh38, chr3:142,498,753, plus strand): 5'-TCATAAAAAGCTGTGATATCTCTTTTTTTGGCTGATAATAATAGCTGTCCCAGTCTGACA[C>T]TCCATGTTGTAGATTTTCCATCTGAAAAACAAATGAAGAGTCAAGAAATGTCACGGTAGC-3'
Protein context (NP_001175.2, residues 1791-1811): LAADGKSTTW[Ser1801Asn]VRLGQLLLSA